The following is an entry in ClinVar:

NM_000719.7(CACNA1C):c.5768A>G (p.His1923Arg)

Genes: CACNA1C (calcium voltage-gated channel subunit alpha1 C; plus strand), CACNA1C-AS1 (CACNA1C antisense RNA 1; minus strand). Cytogenetic location: 12p13.33.
Variant type: single nucleotide variant.
Coding change: c.5768A>G on transcript NM_000719.7 (MANE Select); coding-DNA position 5768, A replaced by G.
Protein change: p.His1923Arg; replaces histidine 1923 with arginine.
Molecular consequence: missense variant.
Genome position (GRCh38, 1-based): chr12:2,686,253, A>G. VCF-style: chr12-2686253-A-G. GRCh37 (hg19) VCF-style: chr12-2795419-A-G.
Other names: c.5912A>G, p.His1971Arg (NM_001129827.2); c.5891A>G, p.His1964Arg (NM_001129829.2); c.5873A>G, p.His1958Arg (NM_001129830.3, NM_001167624.3); c.5852A>G, p.His1951Arg (NM_001129831.2); c.5828A>G, p.His1943Arg (NM_001129832.2); c.5825A>G, p.His1942Arg (NM_001129833.2, NM_001129834.2, NM_001129835.2); c.5819A>G, p.His1940Arg (NM_001129836.2); c.5792A>G, p.His1931Arg (NM_001129837.2, NM_001129838.2); and 6 more; short protein forms H1931R, H1923R, H1951R, H1958R, H1983R, H1912R, H1920R, H1929R.
Identifiers: ClinVar variation 3708832 (VCV003708832.2).

ClinVar aggregate classification (germline): Uncertain significance (1 of 4 stars; one submission).

Conditions:
Long QT syndrome (LQTS). Identifiers: MedGen C0023976, MeSH D008133, MONDO:0002442. Disease mechanism: loss of function. Inheritance: Various modes of inheritance.

Submission:

Labcorp Genetics (formerly Invitae), Labcorp
Classification: Uncertain significance for Long QT syndrome. Last evaluated: 2025-01-27. Review status: criteria provided, single submitter. Criteria: Invitae Variant Classification Sherloc (09022015). Collection method: clinical testing. Allele origin: germline.
Comment: This sequence change replaces histidine, which is basic and polar, with arginine, which is basic and polar, at codon 1923 of the CACNA1C protein (p.His1923Arg). This variant is present in population databases (rs754402262, gnomAD 0.0009%). This variant has not been reported in the literature in individuals affected with CACNA1C-related conditions. Invitae Evidence Modeling of protein sequence and biophysical properties (such as structural, functional, and spatial information, amino acid conservation, physicochemical variation, residue mobility, and thermodynamic stability) indicates that this missense variant is not expected to disrupt CACNA1C protein function with a negative predictive value of 95%. In summary, the available evidence is currently insufficient to determine the role of this variant in disease. Therefore, it has been classified as a Variant of Uncertain Significance.